The following is an entry in ClinVar:

ClinVar aggregate classification (germline): Conflicting classifications of pathogenicity. Review status: criteria provided, conflicting classifications (1 of 4 stars). 7 submissions from 7 submitters: Uncertain significance (1); Likely benign (5). 1 of the submissions does not count toward it. Last evaluated 2025-05-27.

Conditions:
CACNA1A-related disorder. Also called: CACNA1A-related condition.
Developmental and epileptic encephalopathy, 42 (DEE42A). Also called: Epileptic encephalopathy, early infantile, 42; DEVELOPMENTAL AND EPILEPTIC ENCEPHALOPATHY 42A; EPILEPTIC ENCEPHALOPATHY, EARLY INFANTILE, 42A. Identifiers: MedGen C4310716, MONDO:0014917, OMIM 617106.
Episodic ataxia type 2 (EA2). Also called: ACETAZOLAMIDE-RESPONSIVE HEREDITARY PAROXYSMAL CEREBELLAR ATAXIA; ATAXIA, EPISODIC, WITH NYSTAGMUS; ATAXIA, FAMILIAL PAROXYSMAL; CEREBELLAR ATAXIA, PAROXYSMAL, ACETAZOLAMIDE-RESPONSIVE; CEREBELLOPATHY, HEREDITARY PAROXYSMAL; EPISODIC ATAXIA, NYSTAGMUS-ASSOCIATED. Identifiers: Orphanet 97, MedGen C1720416, MONDO:0007163, OMIM 108500.
Inborn genetic diseases. Identifiers: MedGen C0950123, MeSH D030342.

Allele frequency attached by ClinVar (database versions not stated): ExAC 0.00001; gnomAD 0.00002; gnomAD exomes 0.00002 and 0.00003; TOPMed 0.00003.
gnomAD v4.1: 28 of 1,613,264 alleles (0.0017%); highest among the groups gnomAD compares: East Asian, 0.0067%; no homozygotes.

Submissions (7):

Labcorp Genetics (formerly Invitae), Labcorp
Classification: Likely benign for Developmental and epileptic encephalopathy, 42; Episodic ataxia type 2. Last evaluated: 2025-05-27. Review status: criteria provided, single submitter. Criteria: Invitae Variant Classification Sherloc (09022015). Collection method: clinical testing. Allele origin: germline.

Blueprint Genetics
Classification: Likely benign. Last evaluated: 2024-03-22. Review status: criteria provided, single submitter. Criteria: ACMG Guidelines, 2015. Collection method: clinical testing. Allele origin: germline.

Athena Diagnostics
Classification: Likely benign. Last evaluated: 2020-10-13. Review status: criteria provided, single submitter. Criteria: Athena Diagnostics criteria. Collection method: clinical testing. Allele origin: unknown.

GeneDx
Classification: Likely benign. Last evaluated: 2019-09-10. Review status: criteria provided, single submitter. Criteria: GeneDx Variant Classification Process June 2021. Collection method: clinical testing. Allele origin: germline. Affected: yes.

Ambry Genetics
Classification: Likely benign for Inborn genetic diseases. Last evaluated: 2019-07-04. Review status: criteria provided, single submitter. Criteria: Ambry Variant Classification Scheme 2023. Collection method: clinical testing. Allele origin: germline.

CeGaT Center for Human Genetics Tuebingen
Classification: Uncertain significance. Last evaluated: 2017-02-01. Review status: criteria provided, single submitter. Criteria: CeGaT Center For Human Genetics Tuebingen Variant Classification Criteria Version 2. Collection method: clinical testing. Allele origin: germline. Affected: yes. Observed: 1 variant allele.

PreventionGenetics, part of Exact Sciences
Classification: Likely benign for CACNA1A-related condition. Last evaluated: 2024-06-21. Review status: no assertion criteria provided. Collection method: clinical testing. Allele origin: germline. Not counted in ClinVar's aggregate classification.
Comment: This variant is classified as likely benign based on ACMG/AMP sequence variant interpretation guidelines (Richards et al. 2015 PMID: 25741868, with internal and published modifications).

NM_001127222.2(CACNA1A):c.5157C>T (p.Asp1719=)

Gene: CACNA1A (calcium voltage-gated channel subunit alpha1 A; minus strand). Cytogenetic location: 19p13.13.
Variant type: single nucleotide variant.
Coding change: c.5157C>T on transcript NM_001127222.2 (MANE Select); coding-DNA position 5157, C replaced by T.
Protein change: p.Asp1719=; no amino-acid change (aspartic acid 1719 retained).
Molecular consequence: synonymous variant.
Genome position (GRCh38, 1-based): chr19:13,235,013, G>A on the plus strand (C>T on the coding strand, the complement: CACNA1A is on the minus strand). VCF-style: chr19-13235013-G-A. GRCh37 (hg19) VCF-style: chr19-13345827-G-A.
Other names: c.5175C>T, p.Asp1725= (NM_000068.4, NM_023035.3); c.5160C>T, p.Asp1720= (NM_001127221.2); c.5166C>T, p.Asp1722= (NM_001174080.2); c.5157C>T (NM_001127222.1).
Identifiers: ClinVar variation 446930 (VCV000446930.59), dbSNP rs758409135, ClinGen allele CA9239809.
Genomic context (GRCh38, chr19:13,235,013, plus strand): 5'-CCGGAAGTTATTGTGCTCAGTGATTTGGAACTCATCTTCATCACTGTCCTCGTCCTCCAC[G>A]TCGATGCCAATGTTACCAAACACCTGTGGAATTGGAGGGTGACGACCAGGGGCTGCCATT-3'
Protein context (NP_001120694.1, residues 1709-1729): GMQVFGNIGI[Asp1719=]VEDEDSDEDE